The following is an entry in ClinVar:

NC_000008.10:g.(?_100286406)_(100494050_?)del

Gene: VPS13B (vacuolar protein sorting 13 homolog B; plus strand). Cytogenetic location: 8q22.2.
Variant type: Deletion.
Identifiers: ClinVar variation 2426378 (VCV002426378.4).

ClinVar aggregate classification (germline): Pathogenic (1 of 4 stars; one submission).

Conditions:
Cohen syndrome (COH1). Also called: Cutis verticis gyrata, retinitis pigmentosa, and sensorineural deafness; PEPPER SYNDROME. Identifiers: Orphanet 193, MedGen C0265223, MONDO:0008999, OMIM 216550.

Submission:

Labcorp Genetics (formerly Invitae), Labcorp
Classification: Pathogenic for Cohen syndrome. Last evaluated: 2023-06-03. Review status: criteria provided, single submitter. Criteria: Invitae Variant Classification Sherloc (09022015). Collection method: clinical testing. Allele origin: germline.
Comment: This variant is a gross deletion of the genomic region encompassing exon(s) 18-25 of the VPS13B gene. This deletion is out-of-frame, and is expected to create a premature termination codon and result in an absent or disrupted protein product. Loss-of-function variants in VPS13B are known to be pathogenic (PMID: 15141358, 16648375, 20461111). For these reasons, this variant has been classified as Pathogenic. This variant has not been reported in the literature in individuals affected with VPS13B-related conditions.

Literature cited by the submitters: PubMed 15141358; PubMed 16648375; PubMed 20461111.